The following is an entry in ClinVar:

ClinVar aggregate classification (germline): Uncertain significance (1 of 4 stars; one submission).

Submission:

Greenwood Genetic Center Diagnostic Laboratories, Greenwood Genetic Center
Classification: Uncertain significance. Last evaluated: 2023-11-03. Review status: criteria provided, single submitter. Criteria: ACMG Guidelines, 2015. Collection method: clinical testing. Allele origin: germline. Affected: yes.
Comment: Gene of Uncertain Significance

NM_033215.5(PPP1R3F):c.386A>G (p.Glu129Gly)

Gene: PPP1R3F (protein phosphatase 1 regulatory subunit 3F; plus strand). Cytogenetic location: Xp11.23.
Variant type: single nucleotide variant.
Coding change: c.386A>G on transcript NM_033215.5 (MANE Select); coding-DNA position 386, A replaced by G.
Protein change: p.Glu129Gly; replaces glutamic acid 129 with glycine.
Molecular consequence: missense variant. On other transcripts: intron variant (1).
Genome position (GRCh38, 1-based): chrX:49,270,255, A>G. VCF-style: chrX-49270255-A-G. GRCh37 (hg19) VCF-style: chrX-49126718-A-G.
Other names: c.-32+322A>G (NM_001184745.2); short protein forms E129G.
Identifiers: ClinVar variation 2692437 (VCV002692437.1), dbSNP rs2066164943, ClinGen allele CA412955997.